The following is an entry in ClinVar:

NM_001082971.2(DDC):c.480del (p.Thr161fs)

Gene: DDC (dopa decarboxylase; minus strand). Cytogenetic location: 7p12.1.
Variant type: Deletion.
Coding change: c.480del on transcript NM_001082971.2 (MANE Select); coding-DNA position 480, one base deleted (G; older notation c.480delG).
Protein change: p.Thr161fs; shifts the reading frame from threonine 161.
Molecular consequence: frameshift variant. On other transcripts: intron variant (1).
Genome position (GRCh38, 1-based): chr7:50,529,298, C deleted on the plus strand (G on the coding strand, the reverse complement: DDC is on the minus strand); the first of 2 consecutive C bases (chr7:50,529,298-50,529,299); deleting either gives the same sequence. VCF-style (leftmost placement, unchanged base first): chr7-50529297-TC-T. GRCh37 (hg19) VCF-style: chr7-50596995-TC-T.
Other names: c.480del, p.Thr161fs (NM_000790.4, NM_001242887.2, NM_001242890.2); c.366del, p.Thr123fs (NM_001242886.2); c.246del, p.Thr83fs (NM_001242888.2); c.435+8562del (NM_001242889.2); short protein forms T123fs, T161fs, T83fs.
Identifiers: ClinVar variation 1075848 (VCV001075848.7), dbSNP rs2044130662, ClinGen allele CA1139771368.

ClinVar aggregate classification (germline): Pathogenic (1 of 4 stars; one submission).

Conditions:
Deficiency of aromatic-L-amino-acid decarboxylase. Also called: AADC DEFICIENCY; DDC DEFICIENCY; DOPA DECARBOXYLASE DEFICIENCY; Aromatic amino acid decarboxylase deficiency; Aromatic L-Amino Acid Decarboxylase Deficiency. Identifiers: Orphanet 35708, MedGen C1291564, MONDO:0012084, OMIM 608643.

Submission:

Labcorp Genetics (formerly Invitae), Labcorp
Classification: Pathogenic for Deficiency of aromatic-L-amino-acid decarboxylase. Last evaluated: 2022-11-10. Review status: criteria provided, single submitter. Criteria: Invitae Variant Classification Sherloc (09022015). Collection method: clinical testing. Allele origin: germline.
Comment: For these reasons, this variant has been classified as Pathogenic. This sequence change creates a premature translational stop signal (p.Thr161Profs*3) in the DDC gene. It is expected to result in an absent or disrupted protein product. Loss-of-function variants in DDC are known to be pathogenic (PMID: 15079002, 24788355). This variant is not present in population databases (gnomAD no frequency). This variant has not been reported in the literature in individuals affected with DDC-related conditions. ClinVar contains an entry for this variant (Variation ID: 1075848).

Literature cited by the submitters: PubMed 15079002; PubMed 24788355.